The following is an entry in ClinVar:

ClinVar aggregate classification (germline): Pathogenic (1 of 4 stars; one submission).

Submission:

Quest Diagnostics Nichols Institute San Juan Capistrano
Classification: Pathogenic. Last evaluated: 2025-06-16. Review status: criteria provided, single submitter. Criteria: ACMG/ClinGen CNV Guidelines, 2019. Collection method: clinical testing. Allele origin: unknown.
Comment: This terminal 11p duplication involves 81 protein-coding genes, including both of the imprinting control regions (ICR1 (ISCA-37444) and ICR2) associated with Beckwith–Wiedemann and Silver Russell syndromes. Phenotypes associated with these duplications appear to be dependent on whether the gain is paternally inherited, associated with Beckwith-Wiedemann syndrome, or maternally inherited, associated with Silver Russell syndrome (Begemann, 2012). Therefore, this copy number gain is classified as pathogenic. References: Begemann M, et al., J Med Genet. 2012 Sep;49(9):547-53. PMID: 22844132

GRCh37/hg19 11p15.5-15.4(chr11:192764-3362853)x3

Genes: ASCL2 (achaete-scute family bHLH transcription factor 2; minus strand), B4GALNT4 (beta-1,4-N-acetyl-galactosaminyltransferase 4; plus strand), BET1L (Bet1 golgi vesicular membrane trafficking protein like; minus strand), BRSK2 (BR serine/threonine kinase 2; plus strand), C11orf21 (chromosome 11 open reading frame 21; minus strand) and 86 more. Cytogenetic location: 11p15.5-15.4.
Variant type: copy number gain.
Change: copy number 3 (three copies instead of two) of chr11:192,764-3,362,853 (3.17 Mb, GRCh37 coordinates, 1-based), cytogenetic band 11p15.5-15.4.
Identifiers: ClinVar variation 2684632 (VCV002684632.2).